The following is an entry in ClinVar:

ClinVar aggregate classification (germline): Uncertain significance (1 of 4 stars; one submission).

Allele frequency attached by ClinVar (database versions not stated): TOPMed below 0.00001.

Submission:

Labcorp Genetics (formerly Invitae), Labcorp
Classification: Uncertain significance. Last evaluated: 2022-04-26. Review status: criteria provided, single submitter. Criteria: Invitae Variant Classification Sherloc (09022015). Collection method: clinical testing. Allele origin: germline.
Comment: In summary, the available evidence is currently insufficient to determine the role of this variant in disease. Therefore, it has been classified as a Variant of Uncertain Significance. Algorithms developed to predict the effect of missense changes on protein structure and function (SIFT, PolyPhen-2, Align-GVGD) all suggest that this variant is likely to be disruptive. This variant has not been reported in the literature in individuals affected with TRPC3-related conditions. This variant is not present in population databases (gnomAD no frequency). This sequence change replaces alanine, which is neutral and non-polar, with serine, which is neutral and polar, at codon 632 of the TRPC3 protein (p.Ala632Ser).

NM_001130698.2(TRPC3):c.1894G>T (p.Ala632Ser)

Gene: TRPC3 (transient receptor potential cation channel subfamily C member 3; minus strand). Cytogenetic location: 4q27.
Variant type: single nucleotide variant.
Coding change: c.1894G>T on transcript NM_001130698.2 (MANE Select); coding-DNA position 1894, G replaced by T.
Protein change: p.Ala632Ser; replaces alanine 632 with serine.
Molecular consequence: missense variant.
Genome position (GRCh38, 1-based): chr4:121,907,466, C>A on the plus strand (G>T on the coding strand, the complement: TRPC3 is on the minus strand). VCF-style: chr4-121907466-C-A. GRCh37 (hg19) VCF-style: chr4-122828621-C-A.
Other names: c.1894G>T, p.Ala632Ser (NM_001366479.2); c.1675G>T, p.Ala559Ser (NM_003305.2); short protein forms A632S, A559S.
Identifiers: ClinVar variation 1952237 (VCV001952237.5), dbSNP rs891551044, ClinGen allele CA104767955.